The following is an entry in ClinVar:

NM_001378477.3(NYX):c.830T>C (p.Leu277Pro)

Gene: NYX (nyctalopin; plus strand). Cytogenetic location: Xp11.4.
Variant type: single nucleotide variant.
Coding change: c.830T>C on transcript NM_001378477.3 (MANE Select); coding-DNA position 830, T replaced by C.
Protein change: p.Leu277Pro; replaces leucine 277 with proline.
Molecular consequence: missense variant.
Genome position (GRCh38, 1-based): chrX:41,474,298, T>C. VCF-style: chrX-41474298-T-C. GRCh37 (hg19) VCF-style: chrX-41333551-T-C.
Other names: c.830T>C, p.Leu277Pro (NM_022567.3); short protein forms L277P.
Identifiers: ClinVar variation 1514197 (VCV001514197.8), dbSNP rs2147026108, ClinGen allele CA412991345.

ClinVar aggregate classification (germline): Uncertain significance (1 of 4 stars; one submission).

Submission:

Labcorp Genetics (formerly Invitae), Labcorp
Classification: Uncertain significance. Last evaluated: 2024-02-20. Review status: criteria provided, single submitter. Criteria: Invitae Variant Classification Sherloc (09022015). Collection method: clinical testing. Allele origin: germline.
Comment: This sequence change replaces leucine, which is neutral and non-polar, with proline, which is neutral and non-polar, at codon 282 of the NYX protein (p.Leu282Pro). This variant is not present in population databases (gnomAD no frequency). This variant has not been reported in the literature in individuals affected with NYX-related conditions. ClinVar contains an entry for this variant (Variation ID: 1514197). Advanced modeling of protein sequence and biophysical properties (such as structural, functional, and spatial information, amino acid conservation, physicochemical variation, residue mobility, and thermodynamic stability) performed at Invitae indicates that this missense variant is not expected to disrupt NYX protein function with a negative predictive value of 80%. In summary, the available evidence is currently insufficient to determine the role of this variant in disease. Therefore, it has been classified as a Variant of Uncertain Significance.